The following is an entry in ClinVar:

ClinVar aggregate classification (germline): Uncertain significance (1 of 4 stars; one submission).

Conditions:
Inborn genetic diseases. Identifiers: MedGen C0950123, MeSH D030342.

Submission:

Ambry Genetics
Classification: Uncertain significance for Inborn genetic diseases. Last evaluated: 2025-09-25. Review status: criteria provided, single submitter. Criteria: Ambry Variant Classification Scheme 2023. Collection method: clinical testing. Allele origin: germline.
Comment: The p.V470E variant (also known as c.1409T>A), located in coding exon 1 of the SAMD9 gene, results from a T to A substitution at nucleotide position 1409. The valine at codon 470 is replaced by glutamic acid, an amino acid with dissimilar properties. This amino acid position is conserved. In addition, this alteration is predicted to be tolerated by in silico analysis. Based on the available evidence, the clinical significance of this variant remains unclear.

NM_017654.4(SAMD9):c.1409T>A (p.Val470Glu)

Gene: SAMD9 (sterile alpha motif domain containing 9; minus strand). Cytogenetic location: 7q21.2.
Variant type: single nucleotide variant.
Coding change: c.1409T>A on transcript NM_017654.4 (MANE Select); coding-DNA position 1409, T replaced by A.
Protein change: p.Val470Glu; replaces valine 470 with glutamic acid.
Molecular consequence: missense variant.
Genome position (GRCh38, 1-based): chr7:93,104,689, A>T on the plus strand (T>A on the coding strand, the complement: SAMD9 is on the minus strand). VCF-style: chr7-93104689-A-T. GRCh37 (hg19) VCF-style: chr7-92734002-A-T.
Other names: c.1409T>A, p.Val470Glu (NM_001193307.2); short protein forms V470E.
Identifiers: ClinVar variation 4629822 (VCV004629822.1).